The following is an entry in ClinVar:

NM_017802.4(DNAAF5):c.934G>A (p.Val312Ile)

Gene: DNAAF5 (dynein axonemal assembly factor 5; plus strand). Cytogenetic location: 7p22.3.
Variant type: single nucleotide variant.
Coding change: c.934G>A on transcript NM_017802.4 (MANE Select); coding-DNA position 934, G replaced by A.
Protein change: p.Val312Ile; replaces valine 312 with isoleucine.
Molecular consequence: missense variant. On other transcripts: non-coding transcript variant (1).
Genome position (GRCh38, 1-based): chr7:741,375, G>A. VCF-style: chr7-741375-G-A. GRCh37 (hg19) VCF-style: chr7-781012-G-A.
Other names: c.934G>A (NM_017802.3); short protein forms V312I.
Identifiers: ClinVar variation 2891297 (VCV002891297.2), dbSNP rs762425082, ClinGen allele CA4110540.
Genomic context (GRCh38, chr7:741,375, plus strand): 5'-TGAGCCACTGTTGTCTGTCTGTTGTGCCTCAGGCAGCTGGCTGCCAGCCTCTGGGAGGAC[G>A]TTGGCCTGCAGTGGCAGAAGGAGAATGAGGAGGACCTGAAGGACAAGCTGGACTTTGCCC-3'
Protein context (NP_060272.3, residues 302-322): RQLAASLWED[Val312Ile]GLQWQKENEE

ClinVar aggregate classification (germline): Conflicting classifications of pathogenicity. Review status: criteria provided, conflicting classifications (1 of 4 stars). 2 submissions from 2 submitters: Uncertain significance (1); Likely benign (1). Last evaluated 2025-08-26.

Conditions:
Primary ciliary dyskinesia. Also called: Ciliary dyskinesia. Identifiers: Orphanet 244, MedGen C0008780, MONDO:0016575, HP:0012265.

Allele frequency attached by ClinVar (database versions not stated): TOPMed below 0.00001; gnomAD 0.00001; ExAC 0.00002.
gnomAD v4.1: 50 of 1,587,196 alleles (0.0032%); highest among the groups gnomAD compares: South Asian, 0.028%; no homozygotes.

Submissions (2):

Ambry Genetics
Classification: Likely benign for Primary ciliary dyskinesia. Last evaluated: 2025-08-26. Review status: criteria provided, single submitter. Criteria: Ambry Variant Classification Scheme 2023. Collection method: clinical testing. Allele origin: germline.

Labcorp Genetics (formerly Invitae), Labcorp
Classification: Uncertain significance for Primary ciliary dyskinesia. Last evaluated: 2023-02-05. Review status: criteria provided, single submitter. Criteria: Invitae Variant Classification Sherloc (09022015). Collection method: clinical testing. Allele origin: germline.
Comment: This sequence change replaces valine, which is neutral and non-polar, with isoleucine, which is neutral and non-polar, at codon 312 of the DNAAF5 protein (p.Val312Ile). The frequency data for this variant in the population databases is considered unreliable, as metrics indicate poor data quality at this position in the gnomAD database. This variant has not been reported in the literature in individuals affected with DNAAF5-related conditions. Advanced modeling of protein sequence and biophysical properties (such as structural, functional, and spatial information, amino acid conservation, physicochemical variation, residue mobility, and thermodynamic stability) performed at Invitae indicates that this missense variant is not expected to disrupt DNAAF5 protein function. In summary, the available evidence is currently insufficient to determine the role of this variant in disease. Therefore, it has been classified as a Variant of Uncertain Significance.